The following is an entry in ClinVar:

ClinVar aggregate classification (germline): Uncertain significance (1 of 4 stars; one submission).

Submission:

GeneDx
Classification: Uncertain significance. Last evaluated: 2023-11-16. Review status: criteria provided, single submitter. Criteria: GeneDx Variant Classification Process June 2021. Collection method: clinical testing. Allele origin: germline. Affected: yes.
Comment: Not observed at significant frequency in large population cohorts (gnomAD); In silico analysis supports that this missense variant does not alter protein structure/function; Has not been previously published as pathogenic or benign to our knowledge

NM_000257.4(MYH7):c.4440G>C (p.Glu1480Asp)

Genes: MHRT (myosin heavy chain associated RNA transcript; plus strand), MYH7 (myosin heavy chain 7; minus strand). Cytogenetic location: 14q11.2.
Variant type: single nucleotide variant.
Coding change: c.4440G>C on transcript NM_000257.4 (MANE Select); coding-DNA position 4440, G replaced by C.
Protein change: p.Glu1480Asp; replaces glutamic acid 1480 with aspartic acid.
Molecular consequence: missense variant. On other transcripts: non-coding transcript variant (1).
Genome position (GRCh38, 1-based): chr14:23,417,232, C>G on the plus strand (G>C on the coding strand, the complement: MYH7 is on the minus strand). VCF-style: chr14-23417232-C-G. GRCh37 (hg19) VCF-style: chr14-23886441-C-G.
Other names: c.4440G>C, p.Glu1480Asp (NM_001407004.1); short protein forms E1480D.
Identifiers: ClinVar variation 3364130 (VCV003364130.1).
Genomic context (GRCh38, chr14:23,417,232, plus strand): 5'-CCGCTTGAAGGTCTCCAGATGTTCCAGGGACTCCTCATAGGCGTTCTTGAGTTTGAAGAG[C>G]TCTGTGCTGAGGGAGCGAGCCTCCTTCTGCGAGGACTCCAGCTCCGACTGCGACTCCTCA-3'
Protein context (NP_000248.2, residues 1470-1490): SQKEARSLST[Glu1480Asp]LFKLKNAYEE